The following is an entry in ClinVar:

ClinVar aggregate classification (germline): Uncertain significance (1 of 4 stars; one submission).

Conditions:
Hepatic veno-occlusive disease-immunodeficiency syndrome. Also called: Hepatic Veno-Occlusive Disease with Immunodeficiency. Identifiers: Orphanet 79124, MedGen C1856128, MONDO:0009338, OMIM 235550. Disease mechanism: loss of function.

Submission:

Labcorp Genetics (formerly Invitae), Labcorp
Classification: Uncertain significance for Hepatic veno-occlusive disease-immunodeficiency syndrome. Last evaluated: 2024-12-02. Review status: criteria provided, single submitter. Criteria: Invitae Variant Classification Sherloc (09022015). Collection method: clinical testing. Allele origin: germline.
Comment: This sequence change replaces threonine, which is neutral and polar, with isoleucine, which is neutral and non-polar, at codon 375 of the SP110 protein (p.Thr375Ile). This variant is not present in population databases (gnomAD no frequency). This variant has not been reported in the literature in individuals affected with SP110-related conditions. An algorithm developed to predict the effect of missense changes on protein structure and function (PolyPhen-2) suggests that this variant is likely to be tolerated. In summary, the available evidence is currently insufficient to determine the role of this variant in disease. Therefore, it has been classified as a Variant of Uncertain Significance.

NM_080424.4(SP110):c.1124C>T (p.Thr375Ile)

Genes: SP110 (SP110 nuclear body protein; minus strand), SP140 (SP140 nuclear body protein; plus strand). Cytogenetic location: 2q37.1.
Variant type: single nucleotide variant.
Coding change: c.1124C>T on transcript NM_080424.4 (MANE Select); coding-DNA position 1124, C replaced by T.
Protein change: p.Thr375Ile; replaces threonine 375 with isoleucine.
Molecular consequence: missense variant.
Genome position (GRCh38, 1-based): chr2:230,200,890, G>A on the plus strand (C>T on the coding strand, the complement: SP110 is on the minus strand). VCF-style: chr2-230200890-G-A. GRCh37 (hg19) VCF-style: chr2-231065606-G-A.
Other names: c.1142C>T, p.Thr381Ile (NM_001185015.2, NM_001378442.1, NM_001378444.1 and 2 more transcripts); c.1124C>T, p.Thr375Ile (NM_001378443.1, NM_004509.5, NM_004510.4); c.974C>T, p.Thr325Ile (NM_001378447.1); short protein forms T325I, T375I, T381I.
Identifiers: ClinVar variation 3679116 (VCV003679116.2).
Genomic context (GRCh38, chr2:230,200,890, plus strand): 5'-CTGAATTTAGATTCCTGGTGACTGTACTCTGAGACCAGCAATCTCCAAGTTTTACCTTGT[G>A]TGACCCTTCGTGGTGTACTAGGCGTCTTCTGGGACCTCTTTCCTTCATTCATTTCTGAAG-3'
Protein context (NP_536349.3, residues 365-385): QKTPSTPRRV[Thr375Ile]QGAASPGHGI